The following is an entry in ClinVar:

ClinVar aggregate classification (germline): Pathogenic/Likely pathogenic. Review status: criteria provided, multiple submitters, no conflicts (2 of 4 stars). 2 submissions from 2 submitters: Pathogenic (1); Likely pathogenic (1). Last evaluated 2025-12-01.

Conditions:
CEP164-related disorder. Also called: CEP164-related condition.
Nephronophthisis 15 (NPHP15). Identifiers: Orphanet 3156, MedGen C3541853, MONDO:0013917, OMIM 614845.

Submissions (2):

Labcorp Genetics (formerly Invitae), Labcorp
Classification: Pathogenic for Nephronophthisis 15. Last evaluated: 2025-12-01. Review status: criteria provided, single submitter. Criteria: Invitae Variant Classification Sherloc (09022015). Collection method: clinical testing. Allele origin: germline.
Comment: This sequence change creates a premature translational stop signal (p.Lys113Glufs*92) in the CEP164 gene. It is expected to result in an absent or disrupted protein product. Loss-of-function variants in CEP164 are known to be pathogenic (PMID: 22863007, 28125082, 32367404, 34132027, 34499853). This variant is not present in population databases (gnomAD no frequency). This variant has not been reported in the literature in individuals affected with CEP164-related conditions. ClinVar contains an entry for this variant (Variation ID: 3710412). For these reasons, this variant has been classified as Pathogenic.

Blueprint Genetics
Classification: Likely pathogenic for CEP164-related disorders. Last evaluated: 2019-02-04. Review status: criteria provided, single submitter. Criteria: ACMG Guidelines, 2015. Collection method: clinical testing. Allele origin: germline. Affected: yes. Observed: 1 variant allele.

Literature cited by the submitters: PubMed 22863007 (cited by Labcorp Genetics (formerly Invitae), Labcorp); PubMed 28125082 (cited by Labcorp Genetics (formerly Invitae), Labcorp); PubMed 32367404 (cited by Labcorp Genetics (formerly Invitae), Labcorp); PubMed 34132027 (cited by Labcorp Genetics (formerly Invitae), Labcorp); PubMed 34499853 (cited by Labcorp Genetics (formerly Invitae), Labcorp).

NM_014956.5(CEP164):c.336dup (p.Lys113fs)

Gene: CEP164 (centrosomal protein 164; plus strand). Cytogenetic location: 11q23.3.
Variant type: Duplication.
Coding change: c.336dup on transcript NM_014956.5 (MANE Select); coding-DNA position 336, one base duplicated (G; older notation c.336dupG).
Protein change: p.Lys113fs; shifts the reading frame from lysine 113.
Molecular consequence: frameshift variant.
Genome position (GRCh38, 1-based): chr11:117,351,931, G duplicated. VCF-style (leftmost placement, unchanged base first): chr11-117351930-A-AG. GRCh37 (hg19) VCF-style: chr11-117222646-A-AG.
Other names: c.336dup, p.Lys113fs (NM_001271933.2); short protein forms K113fs.
Identifiers: ClinVar variation 3710412 (VCV003710412.3).